The following is an entry in ClinVar:

ClinVar aggregate classification (germline): Uncertain significance. Review status: criteria provided, single submitter (1 of 4 stars). 2 submissions from 2 submitters: Uncertain significance (1). 1 of the submissions does not count toward it. Last evaluated 2024-04-09.

Conditions:
Severe early-onset pulmonary alveolar proteinosis due to MARS deficiency. Also called: PULMONARY ALVEOLAR PROTEINOSIS, REUNION ISLAND; Interstitial lung and liver disease. Identifiers: Orphanet 440427, MedGen C4225400, MONDO:0014206, OMIM 615486.
Charcot-Marie-Tooth disease axonal type 2U. Also called: CHARCOT-MARIE-TOOTH NEUROPATHY, TYPE 2U; CHARCOT-MARIE-TOOTH DISEASE, AXONAL, AUTOSOMAL DOMINANT, TYPE 2U. Identifiers: Orphanet 397735, MedGen C4084821, MONDO:0014566, OMIM 616280.

Allele frequency attached by ClinVar (database versions not stated): TOPMed 0.00001; gnomAD 0.00003; gnomAD exomes 0.00004 and 0.00007; ExAC 0.00012; 1000 Genomes Project 30x 0.00016; 1000 Genomes Project 0.00020.
gnomAD v4.1: 64 of 1,614,188 alleles (0.004%); highest among the groups gnomAD compares: Non-Finnish European, 0.0032%; no homozygotes.

Submissions (2):

Labcorp Genetics (formerly Invitae), Labcorp
Classification: Uncertain significance for Charcot-Marie-Tooth disease axonal type 2U; Severe early-onset pulmonary alveolar proteinosis due to MARS deficiency. Last evaluated: 2024-04-09. Review status: criteria provided, single submitter. Criteria: Invitae Variant Classification Sherloc (09022015). Collection method: clinical testing. Allele origin: germline.
Comment: This sequence change replaces isoleucine, which is neutral and non-polar, with threonine, which is neutral and polar, at codon 523 of the MARS protein (p.Ile523Thr). This variant is present in population databases (rs201555303, gnomAD 0.03%). This missense change has been observed in individual(s) with clinical features of autosomal recessive interstitial lung and liver disease (PMID: 24103465). ClinVar contains an entry for this variant (Variation ID: 68464). An algorithm developed to predict the effect of missense changes on protein structure and function (PolyPhen-2) suggests that this variant is likely to be disruptive. Experimental studies have shown that this missense change affects MARS function (PMID: 24103465). In summary, the available evidence is currently insufficient to determine the role of this variant in disease. Therefore, it has been classified as a Variant of Uncertain Significance.

OMIM
Classification: Pathogenic for INTERSTITIAL LUNG AND LIVER DISEASE. Last evaluated: 2013-10-08. Review status: no assertion criteria provided. Collection method: literature only. Allele origin: germline. Not counted in ClinVar's aggregate classification.

Literature cited by the submitters: PubMed 24103465 (cited by Labcorp Genetics (formerly Invitae), Labcorp and OMIM).

NM_004990.4(MARS1):c.1568T>C (p.Ile523Thr)

Gene: MARS1 (methionyl-tRNA synthetase 1; plus strand). Cytogenetic location: 12q13.3.
Variant type: single nucleotide variant.
Coding change: c.1568T>C on transcript NM_004990.4 (MANE Select); coding-DNA position 1568, T replaced by C.
Protein change: p.Ile523Thr; replaces isoleucine 523 with threonine.
Molecular consequence: missense variant.
Genome position (GRCh38, 1-based): chr12:57,512,036, T>C. VCF-style: chr12-57512036-T-C. GRCh37 (hg19) VCF-style: chr12-57905819-T-C.
Other names: short protein forms I523T.
Identifiers: ClinVar variation 68464 (VCV000068464.4), dbSNP rs201555303, ClinGen allele CA145178.